The following is an entry in ClinVar:

ClinVar aggregate classification (germline): Uncertain significance (1 of 4 stars; one submission).

Conditions:
Epileptic encephalopathy. Identifiers: MedGen C0543888, HP:0200134.

Allele frequency attached by ClinVar (database versions not stated): gnomAD exomes below 0.00001.
gnomAD v4.1: 2 of 1,611,370 alleles (0.00012%); highest among the groups gnomAD compares: South Asian, 0.0022%; no homozygotes.

Submission:

Labcorp Genetics (formerly Invitae), Labcorp
Classification: Uncertain significance for Epileptic encephalopathy. Last evaluated: 2025-12-08. Review status: criteria provided, single submitter. Criteria: Invitae Variant Classification Sherloc (09022015). Collection method: clinical testing. Allele origin: germline.
Comment: This sequence change replaces isoleucine, which is neutral and non-polar, with methionine, which is neutral and non-polar, at codon 894 of the FASN protein (p.Ile894Met). This variant is present in population databases (no rsID available, gnomAD 0.003%). This variant has not been reported in the literature in individuals affected with FASN-related conditions. ClinVar contains an entry for this variant (Variation ID: 1929192). An algorithm developed to predict the effect of missense changes on protein structure and function (PolyPhen-2) suggests that this variant is likely to be tolerated. In summary, the available evidence is currently insufficient to determine the role of this variant in disease. Therefore, it has been classified as a Variant of Uncertain Significance.

NM_004104.5(FASN):c.2682A>G (p.Ile894Met)

Gene: FASN (fatty acid synthase; minus strand). Cytogenetic location: 17q25.3.
Variant type: single nucleotide variant.
Coding change: c.2682A>G on transcript NM_004104.5 (MANE Select); coding-DNA position 2682, A replaced by G.
Protein change: p.Ile894Met; replaces isoleucine 894 with methionine.
Molecular consequence: missense variant.
Genome position (GRCh38, 1-based): chr17:82,088,219, T>C on the plus strand (A>G on the coding strand, the complement: FASN is on the minus strand). VCF-style: chr17-82088219-T-C. GRCh37 (hg19) VCF-style: chr17-80046095-T-C.
Other names: short protein forms I894M.
Identifiers: ClinVar variation 1929192 (VCV001929192.5), dbSNP rs1447234704, ClinGen allele CA401555977.
Genomic context (GRCh38, chr17:82,088,219, plus strand): 5'-AAACACCACAGGCAGCTGCTCGACGCCCAGGCCCAGGGCGCGGGCCAGCGTCTTCCACAC[T>C]ATGCTCAGGTAGCCAGTGGCGGGGAAGAGGACGCGACCGTCGAGGGTGTGGTCCACCAGG-3'
Protein context (NP_004095.4, residues 884-904): VLFPATGYLS[Ile894Met]VWKTLARALG